The following is an entry in ClinVar:

ClinVar aggregate classification (germline): Benign. Review status: criteria provided, multiple submitters, no conflicts (2 of 4 stars). 3 submissions from 3 submitters: Benign (2). 1 of the submissions does not count toward it. Last evaluated 2019-12-31.

Conditions:
DOCK3-related disorder. Also called: DOCK3-related condition.

Allele frequency attached by ClinVar (database versions not stated): gnomAD exomes 0.00069 and 0.00313; gnomAD 0.00099 and 0.00105; ESP Exome Variant Server 0.00057; TOPMed 0.00206; ExAC 0.00244; 1000 Genomes Project 0.00339; 1000 Genomes Project 30x 0.00406.
gnomAD v4.1: 1,143 of 1,613,918 alleles (0.071%); highest among the groups gnomAD compares: Admixed American, 1.8%; 14 homozygotes.

Submissions (3):

Labcorp Genetics (formerly Invitae), Labcorp
Classification: Benign. Last evaluated: 2019-12-31. Review status: criteria provided, single submitter. Criteria: Invitae Variant Classification Sherloc (09022015). Collection method: clinical testing. Allele origin: germline.

Breakthrough Genomics
Classification: Benign. Review status: criteria provided, single submitter. Criteria: ACMG Guidelines, 2015. Collection method: not provided. Allele origin: germline. Inheritance: Autosomal recessive inheritance. Affected: yes.

PreventionGenetics, part of Exact Sciences
Classification: Benign for DOCK3-related condition. Last evaluated: 2019-06-13. Review status: no assertion criteria provided. Collection method: clinical testing. Allele origin: germline. Not counted in ClinVar's aggregate classification.
Comment: This variant is classified as benign based on ACMG/AMP sequence variant interpretation guidelines (Richards et al. 2015 PMID: 25741868, with internal and published modifications).

NM_004947.5(DOCK3):c.373C>T (p.Leu125=)

Gene: DOCK3 (dedicator of cytokinesis 3; plus strand). Cytogenetic location: 3p21.2.
Variant type: single nucleotide variant.
Coding change: c.373C>T on transcript NM_004947.5 (MANE Select); coding-DNA position 373, C replaced by T.
Protein change: p.Leu125=; no amino-acid change (leucine 125 retained).
Molecular consequence: synonymous variant.
Genome position (GRCh38, 1-based): chr3:51,064,505, C>T. VCF-style: chr3-51064505-C-T. GRCh37 (hg19) VCF-style: chr3-51101936-C-T.
Identifiers: ClinVar variation 725100 (VCV000725100.7), dbSNP rs181257952, ClinGen allele CA2420674.